The following is an entry in ClinVar:

NM_181882.3(PRX):c.3385T>C (p.Ser1129Pro)

Gene: PRX (periaxin; minus strand). Cytogenetic location: 19q13.2.
Variant type: single nucleotide variant.
Coding change: c.3385T>C on transcript NM_181882.3 (MANE Select); coding-DNA position 3385, T replaced by C.
Protein change: p.Ser1129Pro; replaces serine 1129 with proline.
Molecular consequence: missense variant. On other transcripts: 3 prime UTR variant (1).
Genome position (GRCh38, 1-based): chr19:40,394,967, A>G on the plus strand (T>C on the coding strand, the complement: PRX is on the minus strand). VCF-style: chr19-40394967-A-G. GRCh37 (hg19) VCF-style: chr19-40900874-A-G.
Other names: c.*3590T>C (NM_020956.2); short protein forms S1129P.
Identifiers: ClinVar variation 1448597 (VCV001448597.11), dbSNP rs139125398, ClinGen allele CA9443868.
Genomic context (GRCh38, chr19:40,394,967, plus strand): 5'-CCAGCGGAGGCATCCTCAGCCCCGCGTCATGGCCCTCAGTGACCACCTGCCCGGCTGTGG[A>G]CACCTTCAGGCCTGACAGCTGCATTCCACTGACGGCCACAGCCCCCTCTGCCCTCCCTTC-3'
Protein context (NP_870998.2, residues 1119-1139): SGMQLSGLKV[Ser1129Pro]TAGQVVTEGH

ClinVar aggregate classification (germline): Uncertain significance. Review status: criteria provided, multiple submitters, no conflicts (2 of 4 stars). 2 submissions from 2 submitters: Uncertain significance (2). Last evaluated 2025-09-01.

Conditions:
Inborn genetic diseases. Identifiers: MedGen C0950123, MeSH D030342.
Charcot-Marie-Tooth disease type 4. Also called: Charcot-Marie-Tooth disease, type IV; Charcot-Marie-Tooth, Type 4. Identifiers: Orphanet 64749, MedGen C4082197, MONDO:0018995.

Allele frequency attached by ClinVar (database versions not stated): gnomAD exomes 0.00001 and 0.00002; ExAC 0.00002; TOPMed 0.00003; gnomAD 0.00006 and 0.00007; ESP Exome Variant Server 0.00008.
gnomAD v4.1: 14 of 1,607,856 alleles (0.00087%); highest among the groups gnomAD compares: African/African-American, 0.017%; no homozygotes.

Submissions (2):

Ambry Genetics
Classification: Uncertain significance for Inborn genetic diseases. Last evaluated: 2025-09-01. Review status: criteria provided, single submitter. Criteria: Ambry Variant Classification Scheme 2023. Collection method: clinical testing. Allele origin: germline.

Labcorp Genetics (formerly Invitae), Labcorp
Classification: Uncertain significance for Charcot-Marie-Tooth disease type 4. Last evaluated: 2021-02-15. Review status: criteria provided, single submitter. Criteria: Invitae Variant Classification Sherloc (09022015). Collection method: clinical testing. Allele origin: germline.
Comment: This sequence change replaces serine with proline at codon 1129 of the PRX protein (p.Ser1129Pro). The serine residue is moderately conserved and there is a moderate physicochemical difference between serine and proline. This variant is present in population databases (rs139125398, ExAC 0.02%). This variant has not been reported in the literature in individuals with PRX-related conditions. Algorithms developed to predict the effect of missense changes on protein structure and function output the following: SIFT: "Deleterious"; PolyPhen-2: "Possibly Damaging"; Align-GVGD: "Class C0". The proline amino acid residue is found in multiple mammalian species, suggesting that this missense change does not adversely affect protein function. These predictions have not been confirmed by published functional studies and their clinical significance is uncertain. In summary, the available evidence is currently insufficient to determine the role of this variant in disease. Therefore, it has been classified as a Variant of Uncertain Significance.